The following is an entry in ClinVar:

ClinVar aggregate classification (germline): Conflicting classifications of pathogenicity. Review status: criteria provided, conflicting classifications (1 of 4 stars). 9 submissions from 9 submitters: Uncertain significance (6); Benign (1); Likely benign (1). 1 of the submissions does not count toward it. Last evaluated 2025-12-05.

Conditions:
Hereditary nonpolyposis colorectal neoplasms. Identifiers: MedGen C0009405, MeSH D003123.
Hereditary cancer-predisposing syndrome. Also called: Hereditary neoplastic syndrome; Hereditary Cancer Syndrome; Neoplastic Syndromes, Hereditary; Tumor predisposition. Identifiers: Orphanet 140162, MedGen C0027672, MeSH D009386, MONDO:0015356.
Lynch syndrome. Identifiers: Orphanet 144, MedGen C4552100, MONDO:0005835. Disease mechanism: loss of function.
Lynch syndrome 5 (LYNCH5). Also called: Hereditary non-polyposis colorectal cancer, type 5; Colorectal cancer, hereditary nonpolyposis, type 5. Identifiers: Orphanet 144, MedGen C1833477, MONDO:0013710, OMIM 614350. Disease mechanism: loss of function.
Malignant tumor of breast. Also called: Malignant breast neoplasm; Cancer breast. Identifiers: MedGen C0006142, MONDO:0007254. Disease mechanism: loss of function.

Allele frequency attached by ClinVar (database versions not stated): gnomAD exomes 0.00001.

Submissions (9):

Women's Health and Genetics/Laboratory Corporation of America, LabCorp
Classification: Uncertain significance. Last evaluated: 2025-12-05. Review status: criteria provided, single submitter. Criteria: LabCorp Variant Classification Summary - May 2015. Collection method: clinical testing. Allele origin: germline.
Comment: Variant summary: MSH6 c.251C>T (p.Ala84Val) results in a non-conservative amino acid change in the encoded protein sequence. Algorithms developed to predict the effect of missense changes on protein structure and function are either unavailable or do not agree on the potential impact of this missense change. The variant allele was found at a frequency of 1e-05 in 1431726 control chromosomes. This frequency is not significantly higher than estimated for disease-causing variants in MSH6, allowing no conclusion about variant significance. c.251C>T has been observed in individuals affected with colorectal cancer and breast cancer (Duzkale_2021, Hu_2022). These reports do not provide unequivocal conclusions about association of the variant with MSH6-related cancers. To our knowledge, no experimental evidence demonstrating an impact on protein function has been reported. The following publications have been ascertained in the context of this evaluation (PMID: 34271781, 35449176). ClinVar contains an entry for this variant (Variation ID: 237159). Based on the evidence outlined above, the variant was classified as uncertain significance.

Labcorp Genetics (formerly Invitae), Labcorp
Classification: Benign for Hereditary nonpolyposis colorectal neoplasms. Last evaluated: 2025-11-10. Review status: criteria provided, single submitter. Criteria: Invitae Variant Classification Sherloc (09022015). Collection method: clinical testing. Allele origin: germline.

Molecular Pathology, Peter Maccallum Cancer Centre
Classification: Uncertain significance for Lynch syndrome 5. Last evaluated: 2024-07-23. Review status: criteria provided, single submitter. Criteria: ACMG Guidelines, 2015. Collection method: clinical testing. Allele origin: germline. Inheritance: Autosomal dominant inheritance.

Quest Diagnostics Nichols Institute San Juan Capistrano
Classification: Uncertain significance. Last evaluated: 2024-07-10. Review status: criteria provided, single submitter. Criteria: Quest Diagnostics criteria. Collection method: clinical testing. Allele origin: unknown.
Comment: The MSH6 c.251C>T (p.Ala84Val) variant has been reported in the published literature in individuals with breast cancer (PMID: 35449176 (2022)) and colorectal cancer (PMID: 34271781 (2021)). This variant has not been reported in large, multi-ethnic general populations (Genome Aggregation Database). Analysis of this variant using bioinformatics tools for the prediction of the effect of amino acid changes on protein structure and function yielded predictions that this variant is benign. Based on the available information, we are unable to determine the clinical significance of this variant.

All of Us Research Program, National Institutes of Health
Classification: Uncertain significance for Lynch syndrome. Last evaluated: 2024-06-11. Review status: criteria provided, single submitter. Criteria: ACMG Guidelines, 2015. Collection method: clinical testing. Allele origin: germline. Inheritance: Autosomal dominant inheritance. Observed: 4 variant alleles, 4 heterozygotes.
Comment: This missense variant replaces alanine with valine at codon 84 of the MSH6 protein. Computational prediction suggests that this variant may not impact protein structure and function (internally defined REVEL score threshold <= 0.5, PMID: 27666373). To our knowledge, functional studies have not been reported for this variant. This variant has not been reported in individuals affected with MSH6-related disorders in the literature. This variant has not been identified in the general population by the Genome Aggregation Database (gnomAD). The available evidence is insufficient to determine the role of this variant in disease conclusively. Therefore, this variant is classified as a Variant of Uncertain Significance.

This study involves interpretation of variants in research participants for the purpose of population health screening. Participant phenotype was not available at the time of variant classification. Additional details can be found in publication PMID: 35346344, PMCID: PMC8962531

Color Diagnostics, LLC DBA Color Health
Classification: Uncertain significance for Hereditary cancer-predisposing syndrome. Last evaluated: 2024-05-08. Review status: criteria provided, single submitter. Criteria: ACMG Guidelines, 2015. Collection method: clinical testing. Allele origin: germline.
Comment: This missense variant replaces alanine with valine at codon 84 of the MSH6 protein. Computational prediction suggests that this variant may not impact protein structure and function (internally defined REVEL score threshold <= 0.5, PMID: 27666373). To our knowledge, functional studies have not been reported for this variant. This variant has not been reported in individuals affected with MSH6-related disorders in the literature. This variant has not been identified in the general population by the Genome Aggregation Database (gnomAD). The available evidence is insufficient to determine the role of this variant in disease conclusively. Therefore, this variant is classified as a Variant of Uncertain Significance.

GeneDx
Classification: Uncertain significance. Last evaluated: 2020-12-04. Review status: criteria provided, single submitter. Criteria: GeneDx Variant Classification Process June 2021. Collection method: clinical testing. Allele origin: germline. Affected: yes.
Comment: Not observed in large population cohorts (Lek 2016); In silico analysis, which includes protein predictors and evolutionary conservation, supports that this variant does not alter protein structure/function; Has not been previously published as pathogenic or benign to our knowledge

Ambry Genetics
Classification: Likely benign for Hereditary cancer-predisposing syndrome. Last evaluated: 2017-09-28. Review status: criteria provided, single submitter. Criteria: Ambry Variant Classification Scheme 2023. Collection method: clinical testing. Allele origin: germline.

Department of Pathology and Laboratory Medicine, Sinai Health System
Classification: Uncertain significance for Malignant tumor of breast. Review status: no assertion criteria provided. Collection method: clinical testing. Allele origin: unknown. Affected: yes. Study: The Canadian Open Genetics Repository (COGR). Not counted in ClinVar's aggregate classification.
Comment: The MSH6 p.Ala84Val variant was not identified in the literature nor was it identified in the UMD-LSDB database. The variant was identified in dbSNP (ID: rs878853717) as â€šÃ„ÃºWith Uncertain significance alleleâ€šÃ„Ã¹, ClinVar (classified as uncertain significance by Invitae and likely benign by Ambry Genetics). The variant was not identified in the following control databases: the Exome Aggregation Consortium (August 8th 2016) or the Genome Aggregation Database (Feb 27, 2017). The p.Ala84 residue is not conserved in mammals and 5 of 5 computational analyses (PolyPhen-2, SIFT, AlignGVGD, BLOSUM, MutationTaster) do not suggest a high likelihood of impact to the protein; however, this information is not predictive enough to rule out pathogenicity. The variant occurs outside of the splicing consensus sequence and 4 of 4 in silico or computational prediction software programs (SpliceSiteFinder, MaxEntScan, NNSPLICE, GeneSplicer) do not predict a difference in splicing. In summary, based on the above information, the clinical significance of this variant cannot be determined with certainty at this time. This variant is classified as a variant of uncertain significance.

Literature cited by the submitters: PubMed 34271781 (cited by Women's Health and Genetics/Laboratory Corporation of America, LabCorp and Quest Diagnostics Nichols Institute San Juan Capistrano); PubMed 35449176 (cited by Women's Health and Genetics/Laboratory Corporation of America, LabCorp and Quest Diagnostics Nichols Institute San Juan Capistrano).

NM_000179.3(MSH6):c.251C>T (p.Ala84Val)

Genes: MSH6 (mutS homolog 6; plus strand), LOC129933707 (ATAC-STARR-seq lymphoblastoid silent region 11468; plus strand). Cytogenetic location: 2p16.3.
Variant type: single nucleotide variant.
Coding change: c.251C>T on transcript NM_000179.3 (MANE Select); coding-DNA position 251, C replaced by T.
Protein change: p.Ala84Val; replaces alanine 84 with valine.
Molecular consequence: missense variant. On other transcripts: 5 prime UTR variant (1), intron variant (1).
Genome position (GRCh38, 1-based): chr2:47,783,484, C>T. VCF-style: chr2-47783484-C-T. GRCh37 (hg19) VCF-style: chr2-48010623-C-T.
Other names: c.-486C>T (NM_001281493.2); c.237+14C>T (NM_001281492.2); short protein forms A84V.
Identifiers: ClinVar variation 237159 (VCV000237159.31), dbSNP rs878853717, ClinGen allele CA10582035.
Genomic context (GRCh38, chr2:47,783,484, plus strand): 5'-CGTCACCGCCCAAGGCGAAGAACCTCAACGGAGGGCTGCGGAGATCGGTAGCGCCTGCTG[C>T]CCCCACCAGGTAGCGGGGTGGGGGTGGGGTCGAAGGCGGGGGCATAGCGGCGGGGCGCTT-3'
Protein context (NP_000170.1, residues 74-94): GGLRRSVAPA[Ala84Val]PTSCDFSPGD